The following is an entry in ClinVar:

NM_001165963.4(SCN1A):c.694+184G>A

Gene: SCN1A (sodium voltage-gated channel alpha subunit 1; minus strand). Cytogenetic location: 2q24.3.
Variant type: single nucleotide variant.
Coding change: c.694+184G>A on transcript NM_001165963.4 (MANE Select); 184 bases into the intron after coding-DNA position 694, G replaced by A.
Molecular consequence: intron variant.
Genome position (GRCh38, 1-based): chr2:166,052,668, C>T on the plus strand (G>A on the coding strand, the complement: SCN1A is on the minus strand). VCF-style: chr2-166052668-C-T. GRCh37 (hg19) VCF-style: chr2-166909178-C-T.
Other names: c.694+184G>A (NM_001353949.2, NM_001353958.2, NM_001353950.2 and 10 more transcripts); c.-1732+184G>A (NM_001353961.2).
Identifiers: ClinVar variation 677450 (VCV000677450.2), dbSNP rs10497277, ClinGen allele CA59802101.
Genomic context (GRCh38, chr2:166,052,668, plus strand): 5'-TGGTGAAAAAAAAAAAAACCCATGATATTTGTAAGTGCAGGTCACCTTGACCTCAAATTA[C>T]AGTATCTCACATAAGACATTGTTAAACTCCAAGGCTGATAAAGCTTATGTCTAAACAATA-3'

ClinVar aggregate classification (germline): Benign. Review status: criteria provided, multiple submitters, no conflicts (2 of 4 stars). 2 submissions from 2 submitters: Benign (2). Last evaluated 2018-06-14.

Allele frequency attached by ClinVar (database versions not stated): gnomAD 0.03645 and 0.03940; 1000 Genomes Project 0.04014; 1000 Genomes Project 30x 0.04122; TOPMed 0.04157.

Submissions (2):

GeneDx
Classification: Benign. Last evaluated: 2018-06-14. Review status: criteria provided, single submitter. Criteria: GeneDx Variant Classification (06012015). Collection method: clinical testing. Allele origin: germline. Affected: yes.
Comment: This variant is considered likely benign or benign based on one or more of the following criteria: it is a conservative change, it occurs at a poorly conserved position in the protein, it is predicted to be benign by multiple in silico algorithms, and/or has population frequency not consistent with disease.

Breakthrough Genomics
Classification: Benign. Review status: criteria provided, single submitter. Criteria: ACMG Guidelines, 2015. Collection method: not provided. Allele origin: germline. Inheritance: Autosomal dominant inheritance. Affected: yes.